The following is an entry in ClinVar:

ClinVar aggregate classification (germline): Conflicting classifications of pathogenicity. Review status: criteria provided, conflicting classifications (1 of 4 stars). 4 submissions from 4 submitters: Uncertain significance (1); Benign (1); Likely benign (2). Last evaluated 2025-09-17.

Conditions:
ITGB4-related disorder. Also called: ITGB4-related condition.
Inborn genetic diseases. Identifiers: MedGen C0950123, MeSH D030342.
Junctional epidermolysis bullosa with pyloric atresia. Also called: APLASIA CUTIS CONGENITA WITH GASTROINTESTINAL ATRESIA; EPIDERMOLYSIS BULLOSA, JUNCTIONAL 5B, WITH PYLORIC ATRESIA; Epidermolysis bullosa, junctional, with pyloric atresia and aplasia cutis congenita; Epidermolysis bullosa junctionalis with pyloric atresia; Junctional Epidermolysis Bullosa- Pyloric Atresia Syndrome; EB-PA-ACC. Identifiers: Orphanet 79403, MedGen C5676875, MONDO:0009183, OMIM 226730.

Allele frequency attached by ClinVar (database versions not stated): gnomAD exomes 0.00008 and 0.00013; ExAC 0.00017; 1000 Genomes Project 30x 0.00031; 1000 Genomes Project 0.00040; gnomAD 0.00046 and 0.00048; TOPMed 0.00053; ESP Exome Variant Server 0.00069.

Submissions (4):

Labcorp Genetics (formerly Invitae), Labcorp
Classification: Benign. Last evaluated: 2025-09-17. Review status: criteria provided, single submitter. Criteria: Invitae Variant Classification Sherloc (09022015). Collection method: clinical testing. Allele origin: germline.

PreventionGenetics, part of Exact Sciences
Classification: Likely benign for ITGB4-related condition. Last evaluated: 2025-06-25. Review status: criteria provided, single submitter. Criteria: ACMG Guidelines, 2015. Collection method: clinical testing. Allele origin: germline.
Comment: This variant is classified as likely benign based on ACMG/AMP sequence variant interpretation guidelines (Richards et al. 2015 PMID: 25741868, with internal and published modifications).

Ambry Genetics
Classification: Likely benign for Inborn genetic diseases. Last evaluated: 2024-04-19. Review status: criteria provided, single submitter. Criteria: Ambry Variant Classification Scheme 2023. Collection method: clinical testing. Allele origin: germline.

Illumina Laboratory Services, Illumina
Classification: Uncertain significance for Junctional epidermolysis bullosa with pyloric atresia. Last evaluated: 2018-01-13. Review status: criteria provided, single submitter. Criteria: ICSL Variant Classification Criteria 13 December 2019. Collection method: clinical testing. Allele origin: germline.

NM_000213.5(ITGB4):c.1181G>A (p.Arg394Lys)

Gene: ITGB4 (integrin subunit beta 4; plus strand). Cytogenetic location: 17q25.1.
Variant type: single nucleotide variant.
Coding change: c.1181G>A on transcript NM_000213.5 (MANE Select); coding-DNA position 1181, G replaced by A.
Protein change: p.Arg394Lys; replaces arginine 394 with lysine.
Molecular consequence: missense variant.
Genome position (GRCh38, 1-based): chr17:75,731,334, G>A. VCF-style: chr17-75731334-G-A. GRCh37 (hg19) VCF-style: chr17-73727415-G-A.
Other names: c.1181G>A, p.Arg394Lys (NM_001005619.2, NM_001005731.3, NM_001321123.2); c.1181G>A (NM_000213.4); short protein forms R394K.
Identifiers: ClinVar variation 325134 (VCV000325134.11), dbSNP rs144655991, ClinGen allele CA8768899.